The following is an entry in ClinVar:

ClinVar aggregate classification (germline): Uncertain significance (1 of 4 stars; one submission).

gnomAD v4.1: 12 of 1,614,054 alleles (0.00074%); highest among the groups gnomAD compares: Admixed American, 0.0017%; no homozygotes.

Submission:

Labcorp Genetics (formerly Invitae), Labcorp
Classification: Uncertain significance. Last evaluated: 2025-12-16. Review status: criteria provided, single submitter. Criteria: Invitae Variant Classification Sherloc (09022015). Collection method: clinical testing. Allele origin: germline.
Comment: This sequence change replaces proline, which is neutral and non-polar, with leucine, which is neutral and non-polar, at codon 66 of the ERCC6 protein (p.Pro66Leu). This variant is present in population databases (rs759569215, gnomAD 0.003%). This variant has not been reported in the literature in individuals affected with ERCC6-related conditions. Invitae Evidence Modeling of protein sequence and biophysical properties (such as structural, functional, and spatial information, amino acid conservation, physicochemical variation, residue mobility, and thermodynamic stability) indicates that this missense variant is not expected to disrupt ERCC6 protein function with a negative predictive value of 80%. In summary, the available evidence is currently insufficient to determine the role of this variant in disease. Therefore, it has been classified as a Variant of Uncertain Significance.

NM_000124.4(ERCC6):c.197C>T (p.Pro66Leu)

Gene: ERCC6 (ERCC excision repair 6, chromatin remodeling factor; minus strand). Cytogenetic location: 10q11.23.
Variant type: single nucleotide variant.
Coding change: c.197C>T on transcript NM_000124.4 (MANE Select); coding-DNA position 197, C replaced by T.
Protein change: p.Pro66Leu; replaces proline 66 with leucine.
Molecular consequence: missense variant.
Genome position (GRCh38, 1-based): chr10:49,532,768, G>A on the plus strand (C>T on the coding strand, the complement: ERCC6 is on the minus strand). VCF-style: chr10-49532768-G-A. GRCh37 (hg19) VCF-style: chr10-50740814-G-A.
Other names: c.197C>T, p.Pro66Leu (NM_001277058.2, NM_001277059.2, NM_001346440.2); short protein forms P66L.
Identifiers: ClinVar variation 4802143 (VCV004802143.1).
Genomic context (GRCh38, chr10:49,532,768, plus strand): 5'-CTAGGCTCTACTGCCTGGATCTGATGTCGGTCGATGTGCAGCAGGGCTGGCCCTCTCCTC[G>A]GAGCTGCTGATGCGCACCCCACAGCAGAGGTGGACAGCCCGTCACCCACAGAACGAAAGG-3'
Protein context (NP_000115.1, residues 56-76): TSAVGCASAA[Pro66Leu]RRGPALLHID